The following is an entry in ClinVar:

ClinVar aggregate classification (germline): Benign (1 of 4 stars; one submission).

Conditions:
Congenital lactic acidosis, Saguenay-Lac-Saint-Jean type (MC4DN5). Also called: CYTOCHROME c OXIDASE DEFICIENCY, FRENCH CANADIAN TYPE; COX DEFICIENCY, FRENCH CANADIAN TYPE; MITOCHONDRIAL COMPLEX IV DEFICIENCY, NUCLEAR TYPE 5. Identifiers: Orphanet 70472, MedGen C1857355, MONDO:0009069, OMIM 220111.

Allele frequency attached by ClinVar (database versions not stated): gnomAD 0.01810 and 0.01948; 1000 Genomes Project 0.01877; 1000 Genomes Project 30x 0.01921; TOPMed 0.02021.

Submission:

Illumina Laboratory Services, Illumina
Classification: Benign for Congenital lactic acidosis, Saguenay-Lac-Saint-Jean type. Last evaluated: 2018-01-13. Review status: criteria provided, single submitter. Criteria: ICSL Variant Classification Criteria 13 December 2019. Collection method: clinical testing. Allele origin: germline.
Comment: This variant was observed in the ICSL laboratory as part of a predisposition screen in an ostensibly healthy population. It had not been previously curated by ICSL or reported in the Human Gene Mutation Database (HGMD: prior to June 1st, 2018), and was therefore a candidate for classification through an automated scoring system. Utilizing variant allele frequency, disease prevalence and penetrance estimates, and inheritance mode, an automated score was calculated to assess if this variant is too frequent to cause the disease. Based on the score and internal cut-off values, a variant classified as benign is not then subjected to further curation. The score for this variant resulted in a classification of benign for this disease.

NM_133259.4(LRPPRC):c.*2176A>T

Gene: LRPPRC (leucine rich pentatricopeptide repeat containing; minus strand). Cytogenetic location: 2p21.
Variant type: single nucleotide variant.
Coding change: c.*2176A>T on transcript NM_133259.4 (MANE Select); 2176 bases downstream of the stop codon, A replaced by T.
Molecular consequence: 3 prime UTR variant.
Genome position (GRCh38, 1-based): chr2:43,886,424, T>A on the plus strand (A>T on the coding strand, the complement: LRPPRC is on the minus strand). VCF-style: chr2-43886424-T-A. GRCh37 (hg19) VCF-style: chr2-44113563-T-A.
Identifiers: ClinVar variation 336100 (VCV000336100.5), dbSNP rs73924082, ClinGen allele CA10613870.